The following is an entry in ClinVar:

ClinVar aggregate classification (germline): Uncertain significance (1 of 4 stars; one submission).

Submission:

Labcorp Genetics (formerly Invitae), Labcorp
Classification: Uncertain significance. Last evaluated: 2023-05-13. Review status: criteria provided, single submitter. Criteria: Invitae Variant Classification Sherloc (09022015). Collection method: clinical testing. Allele origin: germline.
Comment: In summary, the available evidence is currently insufficient to determine the role of this variant in disease. Therefore, it has been classified as a Variant of Uncertain Significance. An algorithm developed to predict the effect of missense changes on protein structure and function (PolyPhen-2) suggests that this variant is likely to be tolerated. This variant has not been reported in the literature in individuals affected with CARD8-related conditions. This variant is not present in population databases (gnomAD no frequency). This sequence change replaces serine, which is neutral and polar, with alanine, which is neutral and non-polar, at codon 36 of the CARD8 protein (p.Ser36Ala).

NM_001184900.3(CARD8):c.256T>G (p.Ser86Ala)

Gene: CARD8 (caspase recruitment domain family member 8; minus strand). Cytogenetic location: 19q13.33.
Variant type: single nucleotide variant.
Coding change: c.256T>G on transcript NM_001184900.3 (MANE Select); coding-DNA position 256, T replaced by G.
Protein change: p.Ser86Ala; replaces serine 86 with alanine.
Molecular consequence: missense variant. On other transcripts: 5 prime UTR variant (6), synonymous variant (1), non-coding transcript variant (4).
Genome position (GRCh38, 1-based): chr19:48,234,497, A>C on the plus strand (T>G on the coding strand, the complement: CARD8 is on the minus strand). VCF-style: chr19-48234497-A-C. GRCh37 (hg19) VCF-style: chr19-48737754-A-C.
Other names: c.106T>G, p.Ser36Ala (NM_001184901.1, NM_001351783.2, NM_001351788.2 and 2 more transcripts); c.256T>G, p.Ser86Ala (NM_001184902.2, NM_001184903.1, NM_001351782.2); c.-19T>G (NM_001351784.2, NM_001351787.2, NM_001351791.2 and 2 more transcripts); c.-233T>G (NM_001351786.2); c.54T>G, p.Ser18= (NM_001351790.2); c.-526T>G (NM_001426741.1); short protein forms S86A, S36A.
Identifiers: ClinVar variation 2864120 (VCV002864120.3), dbSNP rs2514948926, ClinGen allele CA406647047.
Genomic context (GRCh38, chr19:48,234,497, plus strand): 5'-GAACAGCACGGAACAATAATGGCTCTGCCTCTGTCTCATCATCTTCTTGGAAAAAATGTG[A>C]GATGTCACAAAGGGTCTCAGAAACACAGGGTAGCTCCCTGTATACCCTGGAAAACAACAA-3'
Protein context (NP_001171829.1, residues 76-96): PCVSETLCDI[Ser86Ala]HFFQEDDETE